The following is an entry in ClinVar:

ClinVar aggregate classification (germline): Uncertain significance (1 of 4 stars; one submission).

Conditions:
Severe combined immunodeficiency due to LCK deficiency. Also called: Immunodeficiency 22. Identifiers: Orphanet 280142, MedGen C4014233, MONDO:0014334, OMIM 615758.

Allele frequency attached by ClinVar (database versions not stated): gnomAD exomes below 0.00001.
gnomAD v4.1: 4 of 1,614,184 alleles (0.00025%); highest among the groups gnomAD compares: Non-Finnish European, 0.00034%; no homozygotes.

Submission:

Labcorp Genetics (formerly Invitae), Labcorp
Classification: Uncertain significance for Immunodeficiency 22. Last evaluated: 2019-06-04. Review status: criteria provided, single submitter. Criteria: Invitae Variant Classification Sherloc (09022015). Collection method: clinical testing. Allele origin: germline.
Comment: This sequence change replaces tyrosine with histidine at codon 72 of the LCK protein (p.Tyr72His). The tyrosine residue is highly conserved and there is a moderate physicochemical difference between tyrosine and histidine. This variant is not present in population databases (ExAC no frequency). This variant has not been reported in the literature in individuals with LCK-related conditions. Algorithms developed to predict the effect of missense changes on protein structure and function are either unavailable or do not agree on the potential impact of this missense change (SIFT: "Deleterious"; PolyPhen-2: "Probably Damaging"; Align-GVGD: "Class C0"). In summary, the available evidence is currently insufficient to determine the role of this variant in disease. Therefore, it has been classified as a Variant of Uncertain Significance.

NM_005356.5(LCK):c.214T>C (p.Tyr72His)

Gene: LCK (LCK proto-oncogene, Src family tyrosine kinase; plus strand). Cytogenetic location: 1p35.2.
Variant type: single nucleotide variant.
Coding change: c.214T>C on transcript NM_005356.5 (MANE Select); coding-DNA position 214, T replaced by C.
Protein change: p.Tyr72His; replaces tyrosine 72 with histidine.
Molecular consequence: missense variant.
Genome position (GRCh38, 1-based): chr1:32,275,019, T>C. VCF-style: chr1-32275019-T-C. GRCh37 (hg19) VCF-style: chr1-32740620-T-C.
Other names: c.214T>C, p.Tyr72His (NM_001042771.3, NM_001330468.2); short protein forms Y72H.
Identifiers: ClinVar variation 943695 (VCV000943695.1), dbSNP rs1393997550, ClinGen allele CA339636599.